The following is an entry in ClinVar:

NC_000007.13:g.(?_45039933)_(45039982_?)del

Gene: CCM2 (CCM2 scaffold protein; plus strand). Cytogenetic location: 7p13.
Variant type: Deletion.
Identifiers: ClinVar variation 1427461 (VCV001427461.5).

ClinVar aggregate classification (germline): Pathogenic (1 of 4 stars; one submission).

Conditions:
Cerebral cavernous malformation 2. Also called: Familial Cerebral Cavernous Malformation 2. Identifiers: Orphanet 221061, MedGen C1864041, MONDO:0011304, OMIM 603284.

Submission:

Labcorp Genetics (formerly Invitae), Labcorp
Classification: Pathogenic for Cerebral cavernous malformation 2. Last evaluated: 2023-11-20. Review status: criteria provided, single submitter. Criteria: Invitae Variant Classification Sherloc (09022015). Collection method: clinical testing. Allele origin: germline.
Comment: This variant is a gross deletion of the genomic region encompassing exon(s) 1 of the CCM2 gene, which includes the initiator codon. This deletion extends beyond the assayed region for this gene and therefore may encompass additional genes. It is expected to result in an absent or disrupted protein product. Loss-of-function variants in CCM2 are known to be pathogenic (PMID: 18300272, 24689081). A similar copy number variant has been observed in individual(s) with cerebral cavernous malformations (PMID: 14740320, 17160895, 30161288). It has also been observed to segregate with disease in related individuals. For these reasons, this variant has been classified as Pathogenic.

Literature cited by the submitters: PubMed 18300272; PubMed 24689081; PubMed 14740320; PubMed 17160895; PubMed 30161288.